The following is an entry in ClinVar:

NM_033026.6(PCLO):c.14322T>C (p.Tyr4774=)

Gene: PCLO (piccolo presynaptic cytomatrix protein; minus strand). Cytogenetic location: 7q21.11.
Variant type: single nucleotide variant.
Coding change: c.14322T>C on transcript NM_033026.6 (MANE Select); coding-DNA position 14322, T replaced by C.
Protein change: p.Tyr4774=; no amino-acid change (tyrosine 4774 retained).
Molecular consequence: synonymous variant.
Genome position (GRCh38, 1-based): chr7:82,827,894, A>G on the plus strand (T>C on the coding strand, the complement: PCLO is on the minus strand). VCF-style: chr7-82827894-A-G. GRCh37 (hg19) VCF-style: chr7-82457210-A-G.
Other names: c.14322T>C, p.Tyr4774= (NM_014510.3).
Identifiers: ClinVar variation 1652943 (VCV001652943.34), dbSNP rs200374566, ClinGen allele CA4318866.

ClinVar aggregate classification (germline): Likely benign. Review status: criteria provided, multiple submitters, no conflicts (2 of 4 stars). 4 submissions from 4 submitters: Likely benign (4). Last evaluated 2026-01-28.

Allele frequency attached by ClinVar (database versions not stated): gnomAD exomes 0.00017 and 0.00026; ESP Exome Variant Server 0.00026; gnomAD 0.00026 and 0.00027; TOPMed 0.00028; ExAC 0.00048; 1000 Genomes Project 30x 0.00078; 1000 Genomes Project 0.00080.
gnomAD v4.1: 293 of 1,586,970 alleles (0.018%); highest among the groups gnomAD compares: Middle Eastern, 0.55%; 1 homozygote.

Submissions (4):

Labcorp Genetics (formerly Invitae), Labcorp
Classification: Likely benign. Last evaluated: 2026-01-28. Review status: criteria provided, single submitter. Criteria: Invitae Variant Classification Sherloc (09022015). Collection method: clinical testing. Allele origin: germline.

Blueprint Genetics
Classification: Likely benign. Last evaluated: 2024-10-23. Review status: criteria provided, single submitter. Criteria: ACMG Guidelines, 2015. Collection method: clinical testing. Allele origin: germline.

CeGaT Center for Human Genetics Tuebingen
Classification: Likely benign. Last evaluated: 2024-08-01. Review status: criteria provided, single submitter. Criteria: CeGaT Center For Human Genetics Tuebingen Variant Classification Criteria Version 2. Collection method: clinical testing. Allele origin: germline. Affected: yes. Observed: 2 variant alleles.
Comment: PCLO: BP4, BP7

Breakthrough Genomics
Classification: Likely benign. Review status: criteria provided, single submitter. Criteria: ACMG Guidelines, 2015. Collection method: not provided. Allele origin: germline. Inheritance: Autosomal recessive inheritance. Affected: yes.